The following is an entry in ClinVar:

NM_194277.3(FRMD7):c.1688T>C (p.Ile563Thr)

Gene: FRMD7 (FERM domain containing 7; minus strand). Cytogenetic location: Xq26.2.
Variant type: single nucleotide variant.
Coding change: c.1688T>C on transcript NM_194277.3 (MANE Select); coding-DNA position 1688, T replaced by C.
Protein change: p.Ile563Thr; replaces isoleucine 563 with threonine.
Molecular consequence: missense variant.
Genome position (GRCh38, 1-based): chrX:132,078,329, A>G on the plus strand (T>C on the coding strand, the complement: FRMD7 is on the minus strand). VCF-style: chrX-132078329-A-G. GRCh37 (hg19) VCF-style: chrX-131212357-A-G.
Other names: c.1643T>C, p.Ile548Thr (NM_001306193.2); short protein forms I548T, I563T.
Identifiers: ClinVar variation 2806472 (VCV002806472.3), dbSNP rs2520695420, ClinGen allele CA414678518.

ClinVar aggregate classification (germline): Uncertain significance (1 of 4 stars; one submission).

Allele frequency attached by ClinVar (database versions not stated): gnomAD exomes below 0.00001.
gnomAD v4.1: 2 of 1,211,769 alleles (0.00017%); highest among the groups gnomAD compares: Non-Finnish European, 0.00011%; no homozygotes.

Submission:

Labcorp Genetics (formerly Invitae), Labcorp
Classification: Uncertain significance. Last evaluated: 2024-01-02. Review status: criteria provided, single submitter. Criteria: Invitae Variant Classification Sherloc (09022015). Collection method: clinical testing. Allele origin: germline.
Comment: This sequence change replaces isoleucine, which is neutral and non-polar, with threonine, which is neutral and polar, at codon 563 of the FRMD7 protein (p.Ile563Thr). This variant is not present in population databases (gnomAD no frequency). This variant has not been reported in the literature in individuals affected with FRMD7-related conditions. An algorithm developed to predict the effect of missense changes on protein structure and function (PolyPhen-2) suggests that this variant is likely to be tolerated. In summary, the available evidence is currently insufficient to determine the role of this variant in disease. Therefore, it has been classified as a Variant of Uncertain Significance.